The following is an entry in ClinVar:

ClinVar aggregate classification (germline): Uncertain significance (1 of 4 stars; one submission).

Conditions:
Dilated cardiomyopathy 1AA (CMD1AA). Also called: CARDIOMYOPATHY, DILATED, 1AA, WITH OR WITHOUT LEFT VENTRICULAR NONCOMPACTION; CARDIOMYOPATHY, FAMILIAL HYPERTROPHIC, 23, WITH OR WITHOUT LEFT VENTRICULAR NONCOMPACTION; Cardiomyopathy, dilated, 1AA, with or without LVNC. Identifiers: Orphanet 154, MedGen C2677338, MONDO:0012808, OMIM 612158.
Primary familial hypertrophic cardiomyopathy (HCM). Identifiers: Orphanet 99739, MedGen C0949658, MeSH D024741, MONDO:0024573. Inheritance: Various modes of inheritance.

Submission:

Labcorp Genetics (formerly Invitae), Labcorp
Classification: Uncertain significance for Primary familial hypertrophic cardiomyopathy; Dilated cardiomyopathy 1AA. Last evaluated: 2025-03-25. Review status: criteria provided, single submitter. Criteria: Invitae Variant Classification Sherloc (09022015). Collection method: clinical testing. Allele origin: germline.
Comment: This sequence change replaces asparagine, which is neutral and polar, with lysine, which is basic and polar, at codon 804 of the ACTN2 protein (p.Asn804Lys). This variant is not present in population databases (gnomAD no frequency). This variant has not been reported in the literature in individuals affected with ACTN2-related conditions. An algorithm developed to predict the effect of missense changes on protein structure and function (PolyPhen-2) suggests that this variant is likely to be disruptive. In summary, the available evidence is currently insufficient to determine the role of this variant in disease. Therefore, it has been classified as a Variant of Uncertain Significance.

NM_001103.4(ACTN2):c.2412C>G (p.Asn804Lys)

Gene: ACTN2 (actinin alpha 2; plus strand). Cytogenetic location: 1q43.
Variant type: single nucleotide variant.
Coding change: c.2412C>G on transcript NM_001103.4 (MANE Select); coding-DNA position 2412, C replaced by G.
Protein change: p.Asn804Lys; replaces asparagine 804 with lysine.
Molecular consequence: missense variant. On other transcripts: non-coding transcript variant (1).
Genome position (GRCh38, 1-based): chr1:236,761,059, C>G. VCF-style: chr1-236761059-C-G. GRCh37 (hg19) VCF-style: chr1-236924359-C-G.
Other names: c.2412C>G, p.Asn804Lys (NM_001278343.2); short protein forms N804K.
Identifiers: ClinVar variation 4794040 (VCV004794040.1).